The following is an entry in ClinVar:

NM_000138.5(FBN1):c.4609G>A (p.Asp1537Asn)

Gene: FBN1 (fibrillin 1; minus strand). Cytogenetic location: 15q21.1.
Variant type: single nucleotide variant.
Coding change: c.4609G>A on transcript NM_000138.5 (MANE Select); coding-DNA position 4609, G replaced by A.
Protein change: p.Asp1537Asn; replaces aspartic acid 1537 with asparagine.
Molecular consequence: missense variant.
Genome position (GRCh38, 1-based): chr15:48,468,076, C>T on the plus strand (G>A on the coding strand, the complement: FBN1 is on the minus strand). VCF-style: chr15-48468076-C-T. GRCh37 (hg19) VCF-style: chr15-48760273-C-T.
Other names: c.4609G>A, p.Asp1537Asn (NM_001406716.1); short protein forms D1537N.
Identifiers: ClinVar variation 3849166 (VCV003849166.1).

ClinVar aggregate classification (germline): Uncertain significance (1 of 4 stars; one submission).

Conditions:
Familial thoracic aortic aneurysm and aortic dissection (TAAD). Also called: Thoracic aortic aneurysms and dissections. Identifiers: Orphanet 91387, MedGen C4707243, MONDO:0019625.

gnomAD v4.1: 23 of 1,613,998 alleles (0.0014%); highest among the groups gnomAD compares: Non-Finnish European, 0.0018%; no homozygotes.

Submission:

Ambry Genetics
Classification: Uncertain significance for Familial thoracic aortic aneurysm and aortic dissection. Last evaluated: 2024-12-20. Review status: criteria provided, single submitter. Criteria: Ambry Variant Classification Scheme 2023. Collection method: clinical testing. Allele origin: germline.
Comment: The p.D1537N variant (also known as c.4609G>A), located in coding exon 37 of the FBN1 gene, results from a G to A substitution at nucleotide position 4609. The aspartic acid at codon 1537 is replaced by asparagine, an amino acid with highly similar properties. This amino acid position is well conserved in available vertebrate species. In addition, this alteration is predicted to be tolerated by in silico analysis. Based on the available evidence, the clinical significance of this variant remains unclear.